The following is an entry in ClinVar:

NM_018671.5(UNC45A):c.2303+6G>A

Gene: UNC45A (unc-45 myosin chaperone A; plus strand). Cytogenetic location: 15q26.1.
Variant type: single nucleotide variant.
Coding change: c.2303+6G>A on transcript NM_018671.5 (MANE Select); 6 bases into the intron after coding-DNA position 2303, G replaced by A.
Molecular consequence: intron variant.
Genome position (GRCh38, 1-based): chr15:90,950,621, G>A. VCF-style: chr15-90950621-G-A. GRCh37 (hg19) VCF-style: chr15-91493851-G-A.
Other names: c.2258+6G>A (NM_001039675.2, NM_001323621.2); c.2303+6G>A (NM_001323619.1); c.1868+6G>A (NM_001323620.2).
Identifiers: ClinVar variation 1928299 (VCV001928299.5), dbSNP rs2036851440, ClinGen allele CA2195371973.

ClinVar aggregate classification (germline): Uncertain significance (1 of 4 stars; one submission).

Submission:

Labcorp Genetics (formerly Invitae), Labcorp
Classification: Uncertain significance. Last evaluated: 2022-03-29. Review status: criteria provided, single submitter. Criteria: Invitae Variant Classification Sherloc (09022015). Collection method: clinical testing. Allele origin: germline.
Comment: In summary, the available evidence is currently insufficient to determine the role of this variant in disease. Therefore, it has been classified as a Variant of Uncertain Significance. Variants that disrupt the consensus splice site are a relatively common cause of aberrant splicing (PMID: 17576681, 9536098). Algorithms developed to predict the effect of sequence changes on RNA splicing suggest that this variant is not likely to affect RNA splicing. This variant has not been reported in the literature in individuals affected with UNC45A-related conditions. This variant is not present in population databases (gnomAD no frequency). This sequence change falls in intron 17 of the UNC45A gene. It does not directly change the encoded amino acid sequence of the UNC45A protein. It affects a nucleotide within the consensus splice site.

Literature cited by the submitters: PubMed 17576681; PubMed 9536098.